The following is an entry in ClinVar:

ClinVar aggregate classification (germline): Likely benign (0 of 4 stars; one submission).

Conditions:
PDE11A-related disorder. Also called: PDE11A-related condition.

Allele frequency attached by ClinVar (database versions not stated): ExAC 0.00002; gnomAD exomes 0.00002; gnomAD 0.00004; TOPMed 0.00008.
gnomAD v4.1: 40 of 1,607,424 alleles (0.0025%); highest among the groups gnomAD compares: Non-Finnish European, 0.003%; no homozygotes.

Submission:

PreventionGenetics, part of Exact Sciences
Classification: Likely benign for PDE11A-related condition. Last evaluated: 2019-08-13. Review status: no assertion criteria provided. Collection method: clinical testing. Allele origin: germline.
Comment: This variant is classified as likely benign based on ACMG/AMP sequence variant interpretation guidelines (Richards et al. 2015 PMID: 25741868, with internal and published modifications).

NM_016953.4(PDE11A):c.2208C>T (p.His736=)

Genes: PDE11A (phosphodiesterase 11A; minus strand), PDE11A-AS1 (PDE11A antisense RNA 1; plus strand). Cytogenetic location: 2q31.2.
Variant type: single nucleotide variant.
Coding change: c.2208C>T on transcript NM_016953.4 (MANE Select); coding-DNA position 2208, C replaced by T.
Protein change: p.His736=; no amino-acid change (histidine 736 retained).
Molecular consequence: synonymous variant. On other transcripts: non-coding transcript variant (1).
Genome position (GRCh38, 1-based): chr2:177,701,157, G>A on the plus strand (C>T on the coding strand, the complement: PDE11A is on the minus strand). VCF-style: chr2-177701157-G-A. GRCh37 (hg19) VCF-style: chr2-178565885-G-A.
Other names: c.876C>T, p.His292= (NM_001077196.2); c.1458C>T, p.His486= (NM_001077197.2); c.1134C>T, p.His378= (NM_001077358.2).
Identifiers: ClinVar variation 3052905 (VCV003052905.2), dbSNP rs199620084, ClinGen allele CA1981658.